The following is an entry in ClinVar:

ClinVar aggregate classification (germline): Uncertain significance (1 of 4 stars; one submission).

Allele frequency attached by ClinVar (database versions not stated): gnomAD exomes 0.00001.
gnomAD v4.1: 9 of 1,614,058 alleles (0.00056%); highest among the groups gnomAD compares: Non-Finnish European, 0.00076%; no homozygotes.

Submission:

Labcorp Genetics (formerly Invitae), Labcorp
Classification: Uncertain significance. Last evaluated: 2024-11-14. Review status: criteria provided, single submitter. Criteria: Invitae Variant Classification Sherloc (09022015). Collection method: clinical testing. Allele origin: germline.
Comment: This sequence change replaces glutamic acid, which is acidic and polar, with glycine, which is neutral and non-polar, at codon 273 of the ASPM protein (p.Glu273Gly). This variant is not present in population databases (gnomAD no frequency). This variant has not been reported in the literature in individuals affected with ASPM-related conditions. ClinVar contains an entry for this variant (Variation ID: 1364251). Invitae Evidence Modeling of protein sequence and biophysical properties (such as structural, functional, and spatial information, amino acid conservation, physicochemical variation, residue mobility, and thermodynamic stability) indicates that this missense variant is not expected to disrupt ASPM protein function with a negative predictive value of 80%. In summary, the available evidence is currently insufficient to determine the role of this variant in disease. Therefore, it has been classified as a Variant of Uncertain Significance.

NM_018136.5(ASPM):c.818A>G (p.Glu273Gly)

Gene: ASPM (assembly factor for spindle microtubules; minus strand). Cytogenetic location: 1q31.3.
Variant type: single nucleotide variant.
Coding change: c.818A>G on transcript NM_018136.5 (MANE Select); coding-DNA position 818, A replaced by G.
Protein change: p.Glu273Gly; replaces glutamic acid 273 with glycine.
Molecular consequence: missense variant.
Genome position (GRCh38, 1-based): chr1:197,143,434, T>C on the plus strand (A>G on the coding strand, the complement: ASPM is on the minus strand). VCF-style: chr1-197143434-T-C. GRCh37 (hg19) VCF-style: chr1-197112564-T-C.
Other names: c.818A>G, p.Glu273Gly (NM_001206846.2); short protein forms E273G.
Identifiers: ClinVar variation 1364251 (VCV001364251.8), dbSNP rs2125114508, ClinGen allele CA344018927.